The following is an entry in ClinVar:

NM_024417.5(FDXR):c.537C>T (p.Ala179=)

Gene: FDXR (ferredoxin reductase; minus strand). Cytogenetic location: 17q25.1.
Variant type: single nucleotide variant.
Coding change: c.537C>T on transcript NM_024417.5 (MANE Select); coding-DNA position 537, C replaced by T.
Protein change: p.Ala179=; no amino-acid change (alanine 179 retained).
Molecular consequence: synonymous variant. On other transcripts: non-coding transcript variant (1).
Genome position (GRCh38, 1-based): chr17:74,865,791, G>A on the plus strand (C>T on the coding strand, the complement: FDXR is on the minus strand). VCF-style: chr17-74865791-G-A. GRCh37 (hg19) VCF-style: chr17-72861913-G-A.
Other names: c.666C>T, p.Ala222= (NM_001258012.4); c.630C>T, p.Ala210= (NM_001258013.4); c.513C>T, p.Ala171= (NM_001258014.4); c.417C>T, p.Ala139= (NM_001258015.3); c.381C>T, p.Ala127= (NM_001258016.3); c.537C>T, p.Ala179= (NM_004110.6); c.537C>T (NM_024417.4).
Identifiers: ClinVar variation 4936905 (VCV004936905.3).

ClinVar aggregate classification (germline): Likely benign. Review status: criteria provided, multiple submitters, no conflicts (2 of 4 stars). 3 submissions from 3 submitters: Likely benign (3). Last evaluated 2026-08-01.

Conditions:
FDXR-related disorder. Also called: FDXR-related condition; FDXR-related disorders.

gnomAD v4.1: 82 of 1,613,500 alleles (0.0051%); highest among the groups gnomAD compares: East Asian, 0.089%; no homozygotes.

Submissions (3):

CeGaT Center for Human Genetics Tuebingen
Classification: Likely benign. Last evaluated: 2026-08-01. Review status: criteria provided, single submitter. Criteria: CeGaT Center For Human Genetics Tuebingen Variant Classification Criteria Version 2. Collection method: clinical testing. Allele origin: germline. Affected: yes. Observed: 1 variant allele.
Comment: FDXR: BP4, BP7

PreventionGenetics, part of Exact Sciences
Classification: Likely benign for FDXR-related condition. Last evaluated: 2025-09-24. Review status: criteria provided, single submitter. Criteria: ACMG Guidelines, 2015. Collection method: clinical testing. Allele origin: germline.
Comment: This variant is classified as likely benign based on ACMG/AMP sequence variant interpretation guidelines (Richards et al. 2015 PMID: 25741868, with internal and published modifications).

Blueprint Genetics
Classification: Likely benign. Last evaluated: 2024-01-11. Review status: criteria provided, single submitter. Criteria: ACMG Guidelines, 2015. Collection method: clinical testing. Allele origin: germline.